The following is an entry in ClinVar:

NM_001035.3(RYR2):c.2435A>G (p.Lys812Arg)

Gene: RYR2 (ryanodine receptor 2; plus strand). Cytogenetic location: 1q43.
Variant type: single nucleotide variant.
Coding change: c.2435A>G on transcript NM_001035.3 (MANE Select); coding-DNA position 2435, A replaced by G.
Protein change: p.Lys812Arg; replaces lysine 812 with arginine.
Molecular consequence: missense variant.
Genome position (GRCh38, 1-based): chr1:237,503,327, A>G. VCF-style: chr1-237503327-A-G. GRCh37 (hg19) VCF-style: chr1-237666627-A-G.
Other names: c.2435A>G (NM_001035.2); short protein forms K812R.
Identifiers: ClinVar variation 1171363 (VCV001171363.15), dbSNP rs779155482, ClinGen allele CA086050.

ClinVar aggregate classification (germline): Uncertain significance. Review status: criteria provided, multiple submitters, no conflicts (2 of 4 stars). 4 submissions from 4 submitters: Uncertain significance (4). Last evaluated 2026-08-08.

Conditions:
Cardiomyopathy (CMYO). Also called: Cardiomyopathies. Identifiers: Orphanet 167848, MedGen C0878544, MONDO:0004994, HP:0001638. Inheritance: Various modes of inheritance.
Cardiovascular phenotype. Identifiers: MedGen CN230736.
Catecholaminergic polymorphic ventricular tachycardia (CVPT). Also called: Catecholamine-induced polymorphic ventricular tachycardia. Identifiers: Orphanet 3286, MedGen C5574922, MONDO:0017990.
Catecholaminergic polymorphic ventricular tachycardia 1. Also called: RYR2-Related Catecholaminergic Polymorphic Ventricular Tachycardia; VENTRICULAR TACHYCARDIA, CATECHOLAMINERGIC POLYMORPHIC, 1, WITH OR WITHOUT ATRIAL DYSFUNCTION AND/OR DILATED CARDIOMYOPATHY; VENTRICULAR TACHYCARDIA, STRESS-INDUCED POLYMORPHIC 1. Identifiers: Orphanet 3286, MedGen C1631597, MONDO:0011484, OMIM 604772.

Allele frequency attached by ClinVar (database versions not stated): ExAC 0.00001; gnomAD exomes below 0.00001.
gnomAD v4.1: 8 of 1,613,474 alleles (0.0005%); highest among the groups gnomAD compares: South Asian, 0.0066%; no homozygotes.

Submissions (4):

Ambry Genetics
Classification: Uncertain significance for Cardiovascular phenotype. Last evaluated: 2026-08-08. Review status: criteria provided, single submitter. Criteria: Ambry Variant Classification Scheme 2023. Collection method: clinical testing. Allele origin: germline.
Comment: The p.K812R variant (also known as c.2435A>G), located in coding exon 22 of the RYR2 gene, results from an A to G substitution at nucleotide position 2435. The lysine at codon 812 is replaced by arginine, an amino acid with highly similar properties. This amino acid position is conserved. In addition, this alteration is predicted to be tolerated by in silico analysis. Based on the available evidence, the clinical significance of this variant remains unclear.

Color Diagnostics, LLC DBA Color Health
Classification: Uncertain significance for Cardiomyopathy. Last evaluated: 2024-03-06. Review status: criteria provided, single submitter. Criteria: ACMG Guidelines, 2015. Collection method: clinical testing. Allele origin: germline.
Comment: This missense variant replaces lysine with arginine at codon 812 of the RYR2 protein. Computational prediction suggests that this variant may not impact protein structure and function (internally defined REVEL score threshold <= 0.5, PMID: 27666373). To our knowledge, functional studies have not been reported for this variant. This variant has not been reported in individuals affected with cardiovascular disorders in the literature. This variant has been identified in 1/248036 chromosomes in the general population by the Genome Aggregation Database (gnomAD). The available evidence is insufficient to determine the role of this variant in disease conclusively. Therefore, this variant is classified as a Variant of Uncertain Significance.

All of Us Research Program, National Institutes of Health
Classification: Uncertain significance for Catecholaminergic polymorphic ventricular tachycardia. Last evaluated: 2023-12-13. Review status: criteria provided, single submitter. Criteria: ACMG Guidelines, 2015. Collection method: clinical testing. Allele origin: germline. Inheritance: Autosomal dominant inheritance. Observed: 4 variant alleles, 4 heterozygotes.
Comment: This missense variant replaces lysine with arginine at codon 812 of the RYR2 protein. Computational prediction suggests that this variant may not impact protein structure and function (internally defined REVEL score threshold <= 0.5, PMID: 27666373). To our knowledge, functional studies have not been reported for this variant. This variant has not been reported in individuals affected with cardiovascular disorders in the literature. This variant has been identified in 1/248036 chromosomes in the general population by the Genome Aggregation Database (gnomAD). The available evidence is insufficient to determine the role of this variant in disease conclusively. Therefore, this variant is classified as a Variant of Uncertain Significance.

This study involves interpretation of variants in research participants for the purpose of population health screening. Participant phenotype was not available at the time of variant classification. Additional details can be found in publication PMID: 35346344, PMCID: PMC8962531

Labcorp Genetics (formerly Invitae), Labcorp
Classification: Uncertain significance for Catecholaminergic polymorphic ventricular tachycardia 1. Last evaluated: 2020-11-06. Review status: criteria provided, single submitter. Criteria: Invitae Variant Classification Sherloc (09022015). Collection method: clinical testing. Allele origin: germline.
Comment: This sequence change replaces lysine with arginine at codon 812 of the RYR2 protein (p.Lys812Arg). The lysine residue is highly conserved and there is a small physicochemical difference between lysine and arginine. This variant is present in population databases (rs779155482, ExAC 0.007%). This variant has not been reported in the literature in individuals with RYR2-related conditions. Advanced modeling of protein sequence and biophysical properties (such as structural, functional, and spatial information, amino acid conservation, physicochemical variation, residue mobility, and thermodynamic stability) performed at Invitae indicates that this missense variant is not expected to disrupt RYR2 protein function. In summary, the available evidence is currently insufficient to determine the role of this variant in disease. Therefore, it has been classified as a Variant of Uncertain Significance.